The following is an entry in ClinVar:

ClinVar aggregate classification (germline): Pathogenic/Likely pathogenic. Review status: criteria provided, multiple submitters, no conflicts (2 of 4 stars). 2 submissions from 2 submitters: Pathogenic (1); Likely pathogenic (1). Last evaluated 2022-09-01.

Conditions:
Lissencephaly type 1 due to doublecortin gene mutation. Also called: LISSENCEPHALY, X-LINKED, 1; LISSENCEPHALY AND AGENESIS OF CORPUS CALLOSUM. Identifiers: Orphanet 2148, MedGen C4551968, MONDO:0010239, OMIM 300067.

Submissions (2):

CeGaT Center for Human Genetics Tuebingen
Classification: Likely pathogenic. Last evaluated: 2022-09-01. Review status: criteria provided, single submitter. Criteria: CeGaT Center For Human Genetics Tuebingen Variant Classification Criteria Version 2. Collection method: clinical testing. Allele origin: germline. Affected: yes. Observed: 1 variant allele.
Comment: DCX: PM1, PM2, PP1, PS4:Supporting

Genetic Services Laboratory, University of Chicago
Classification: Pathogenic for Lissencephaly, X-linked. Last evaluated: 2016-08-23. Review status: criteria provided, single submitter. Criteria: ACMG Guidelines, 2015. Collection method: clinical testing. Allele origin: germline. Affected: yes.

NM_001195553.2(DCX):c.544G>T (p.Val182Phe)

Gene: DCX (doublecortin; minus strand). Cytogenetic location: Xq23.
Variant type: single nucleotide variant.
Coding change: c.544G>T on transcript NM_001195553.2 (MANE Select); coding-DNA position 544, G replaced by T.
Protein change: p.Val182Phe; replaces valine 182 with phenylalanine.
Molecular consequence: missense variant.
Genome position (GRCh38, 1-based): chrX:111,401,151, C>A on the plus strand (G>T on the coding strand, the complement: DCX is on the minus strand). VCF-style: chrX-111401151-C-A. GRCh37 (hg19) VCF-style: chrX-110644379-C-A.
Other names: c.787G>T, p.Val263Phe (NM_000555.3); c.544G>T, p.Val182Phe (NM_001369370.1, NM_001369371.1, NM_001369372.1 and 5 more transcripts); short protein forms V182F, V263F.
Identifiers: ClinVar variation 434901 (VCV000434901.36), dbSNP rs1556401951, ClinGen allele CA414246129.